The following is an entry in ClinVar:

NM_001363711.2(DUOX2):c.1838T>C (p.Leu613Pro)

Gene: DUOX2 (dual oxidase 2; minus strand). Cytogenetic location: 15q21.1.
Variant type: single nucleotide variant.
Coding change: c.1838T>C on transcript NM_001363711.2 (MANE Select); coding-DNA position 1838, T replaced by C.
Protein change: p.Leu613Pro; replaces leucine 613 with proline.
Molecular consequence: missense variant.
Genome position (GRCh38, 1-based): chr15:45,106,635, A>G on the plus strand (T>C on the coding strand, the complement: DUOX2 is on the minus strand). VCF-style: chr15-45106635-A-G. GRCh37 (hg19) VCF-style: chr15-45398833-A-G.
Other names: c.1838T>C, p.Leu613Pro (NM_014080.5); short protein forms L613P.
Identifiers: ClinVar variation 2864978 (VCV002864978.3), dbSNP rs2504767928, ClinGen allele CA392274146.

ClinVar aggregate classification (germline): Uncertain significance (1 of 4 stars; one submission).

Submission:

Labcorp Genetics (formerly Invitae), Labcorp
Classification: Uncertain significance. Last evaluated: 2023-05-16. Review status: criteria provided, single submitter. Criteria: Invitae Variant Classification Sherloc (09022015). Collection method: clinical testing. Allele origin: germline.
Comment: In summary, the available evidence is currently insufficient to determine the role of this variant in disease. Therefore, it has been classified as a Variant of Uncertain Significance. Advanced modeling of protein sequence and biophysical properties (such as structural, functional, and spatial information, amino acid conservation, physicochemical variation, residue mobility, and thermodynamic stability) has been performed at Invitae for this missense variant, however the output from this modeling did not meet the statistical confidence thresholds required to predict the impact of this variant on DUOX2 protein function. This variant has not been reported in the literature in individuals affected with DUOX2-related conditions. This variant is not present in population databases (gnomAD no frequency). This sequence change replaces leucine, which is neutral and non-polar, with proline, which is neutral and non-polar, at codon 613 of the DUOX2 protein (p.Leu613Pro).